The following is an entry in ClinVar:

ClinVar aggregate classification (germline): Uncertain significance (1 of 4 stars; one submission).

Submission:

Labcorp Genetics (formerly Invitae), Labcorp
Classification: Uncertain significance. Last evaluated: 2022-09-14. Review status: criteria provided, single submitter. Criteria: Invitae Variant Classification Sherloc (09022015). Collection method: clinical testing. Allele origin: germline.
Comment: This sequence change replaces alanine, which is neutral and non-polar, with threonine, which is neutral and polar, at codon 245 of the IRF2BP2 protein (p.Ala245Thr). The frequency data for this variant in the population databases is considered unreliable, as metrics indicate poor data quality at this position in the gnomAD database. This variant has not been reported in the literature in individuals affected with IRF2BP2-related conditions. Algorithms developed to predict the effect of missense changes on protein structure and function are either unavailable or do not agree on the potential impact of this missense change (SIFT: "Deleterious"; PolyPhen-2: "Benign"; Align-GVGD: "Class C0"). In summary, the available evidence is currently insufficient to determine the role of this variant in disease. Therefore, it has been classified as a Variant of Uncertain Significance.

NM_182972.3(IRF2BP2):c.733G>A (p.Ala245Thr)

Gene: IRF2BP2 (interferon regulatory factor 2 binding protein 2; minus strand). Cytogenetic location: 1q42.3.
Variant type: single nucleotide variant.
Coding change: c.733G>A on transcript NM_182972.3 (MANE Select); coding-DNA position 733, G replaced by A.
Protein change: p.Ala245Thr; replaces alanine 245 with threonine.
Molecular consequence: missense variant.
Genome position (GRCh38, 1-based): chr1:234,608,762, C>T on the plus strand (G>A on the coding strand, the complement: IRF2BP2 is on the minus strand). VCF-style: chr1-234608762-C-T. GRCh37 (hg19) VCF-style: chr1-234744508-C-T.
Other names: c.733G>A, p.Ala245Thr (NM_001077397.1); short protein forms A245T.
Identifiers: ClinVar variation 1980127 (VCV001980127.4), dbSNP rs752928450, ClinGen allele CA1461788.
Genomic context (GRCh38, chr1:234,608,762, plus strand): 5'-CAGGCGGCGGCGGTTGTTTCTCCTTGGCTGCCGCCTCACGCTGCTCGTGCTCCACGGCAG[C>T]GCTGCTCGACACGGATGCCGGCCGCTTGTGGGCGCCCAGATCGGTGGGCTGCGCGGAGCC-3'
Protein context (NP_892017.2, residues 235-255): HKRPASVSSS[Ala245Thr]AVEHEQREAA